The following is an entry in ClinVar:

ClinVar aggregate classification (germline): Pathogenic/Likely pathogenic. Review status: criteria provided, multiple submitters, no conflicts (2 of 4 stars). 2 submissions from 2 submitters: Pathogenic (1); Likely pathogenic (1). Last evaluated 2025-06-09.

Conditions:
Roberts-SC phocomelia syndrome (RBS). Also called: LONG BONE DEFICIENCIES ASSOCIATED WITH CLEFT LIP-PALATE; Hypomelia hypotrichosis facial hemangioma syndrome; ESCO2 Spectrum Disorder; Pseudothalidomide syndrome; Appelt-Gerken-Lenz syndrome. Identifiers: Orphanet 3103, MedGen C0392475, MONDO:0100253, OMIM 268300.

Allele frequency attached by ClinVar (database versions not stated): gnomAD 0.00001; TOPMed 0.00002.
gnomAD v4.1: 1 of 1,612,518 alleles (0.000062%); highest among the groups gnomAD compares: African/African-American, 0.0013%; no homozygotes.

Submissions (2):

Natera, Inc.
Classification: Likely pathogenic for Roberts syndrome. Last evaluated: 2025-06-09. Review status: criteria provided, single submitter. Criteria: Natera Variant Classification Schema (03/2026). Collection method: clinical testing. Allele origin: germline.
Comment: The c.1396C>T variant in ESCO2 is a nonsense variant predicted to introduce a stop codon at amino acid 466. This variant is expected to result in nonsense mediated decay, truncation, or a dysfunctional protein product. This variant is rare in the general population with a frequency below the threshold expected for the associated phenotype(s). Given the available evidence, this variant is classified as Likely Pathogenic.

Labcorp Genetics (formerly Invitae), Labcorp
Classification: Pathogenic. Last evaluated: 2024-05-07. Review status: criteria provided, single submitter. Criteria: Invitae Variant Classification Sherloc (09022015). Collection method: clinical testing. Allele origin: germline.
Comment: This sequence change creates a premature translational stop signal (p.Gln466*) in the ESCO2 gene. It is expected to result in an absent or disrupted protein product. Loss-of-function variants in ESCO2 are known to be pathogenic (PMID: 15821733, 16380922). This variant is not present in population databases (gnomAD no frequency). This variant has not been reported in the literature in individuals affected with ESCO2-related conditions. ClinVar contains an entry for this variant (Variation ID: 940276). Algorithms developed to predict the effect of sequence changes on RNA splicing suggest that this variant may disrupt the consensus splice site. For these reasons, this variant has been classified as Pathogenic.

Literature cited by the submitters: PubMed 15821733 (cited by Labcorp Genetics (formerly Invitae), Labcorp); PubMed 16380922 (cited by Labcorp Genetics (formerly Invitae), Labcorp).

NM_001017420.3(ESCO2):c.1396C>T (p.Gln466Ter)

Gene: ESCO2 (establishment of sister chromatid cohesion N-acetyltransferase 2; plus strand). Cytogenetic location: 8p21.1.
Variant type: single nucleotide variant.
Coding change: c.1396C>T on transcript NM_001017420.3 (MANE Select); coding-DNA position 1396, C replaced by T.
Protein change: p.Gln466Ter; replaces glutamine 466 with a stop codon.
Molecular consequence: nonsense.
Genome position (GRCh38, 1-based): chr8:27,792,710, C>T. VCF-style: chr8-27792710-C-T. GRCh37 (hg19) VCF-style: chr8-27650227-C-T.
Other names: short protein forms Q466*.
Identifiers: ClinVar variation 940276 (VCV000940276.7), dbSNP rs942479447, ClinGen allele CA174267185.
Genomic context (GRCh38, chr8:27,792,710, plus strand): 5'-GGTTTTTAAAATCATTAGGTAGAAGATGTCCAAGAACTTGTTGATAATGAATTGGGCTTC[C>T]AGCAAGTTGTTCCTAAATGTCCAAACAAAATAAAAACTTTTCTTTTTATATCTGATGAAA-3'